The following is an entry in ClinVar:

ClinVar aggregate classification (germline): Likely benign. Review status: criteria provided, multiple submitters, no conflicts (2 of 4 stars). 4 submissions from 4 submitters: Likely benign (4). Last evaluated 2026-04-16.

Conditions:
Cardiovascular phenotype. Identifiers: MedGen CN230736.
Dilated cardiomyopathy 1G (CMD1G). Identifiers: Orphanet 154, MedGen C1858763, MONDO:0011400, OMIM 604145.
Autosomal recessive limb-girdle muscular dystrophy type 2J (LGMDR10). Also called: MUSCULAR DYSTROPHY, LIMB-GIRDLE, AUTOSOMAL RECESSIVE 10; Limb-girdle muscular dystrophy, type 2J. Identifiers: Orphanet 140922, MedGen C1837342, MONDO:0012127, OMIM 608807.
TTN-related disorder. Also called: TTN-related condition; TTN-related disease; TTN-related disorders.

gnomAD v4.1: 29 of 1,613,714 alleles (0.0018%); highest among the groups gnomAD compares: Non-Finnish European, 0.0023%; no homozygotes.

Submissions (4):

PreventionGenetics, part of Exact Sciences
Classification: Likely benign for TTN-related condition. Last evaluated: 2026-04-16. Review status: criteria provided, single submitter. Criteria: ACMG Guidelines, 2015. Collection method: clinical testing. Allele origin: germline.
Comment: This variant is classified as likely benign based on ACMG/AMP sequence variant interpretation guidelines (Richards et al. 2015 PMID: 25741868, with internal and published modifications).

Labcorp Genetics (formerly Invitae), Labcorp
Classification: Likely benign for Dilated cardiomyopathy 1G; Autosomal recessive limb-girdle muscular dystrophy type 2J. Last evaluated: 2025-10-06. Review status: criteria provided, single submitter. Criteria: Invitae Variant Classification Sherloc (09022015). Collection method: clinical testing. Allele origin: germline.

Ambry Genetics
Classification: Likely benign for Cardiovascular phenotype. Last evaluated: 2023-06-09. Review status: criteria provided, single submitter. Criteria: Ambry Variant Classification Scheme 2023. Collection method: clinical testing. Allele origin: germline.

Blueprint Genetics
Classification: Likely benign. Last evaluated: 2023-04-27. Review status: criteria provided, single submitter. Criteria: ACMG Guidelines, 2015. Collection method: clinical testing. Allele origin: germline.

NM_001267550.2(TTN):c.104592G>T (p.Pro34864=)

Genes: TTN (titin; minus strand), TTN-AS1 (TTN antisense RNA 1; plus strand). Cytogenetic location: 2q31.2.
Variant type: single nucleotide variant.
Coding change: c.104592G>T on transcript NM_001267550.2 (MANE Select); coding-DNA position 104592, G replaced by T.
Protein change: p.Pro34864=; no amino-acid change (proline 34864 retained).
Molecular consequence: synonymous variant.
Genome position (GRCh38, 1-based): chr2:178,532,023, C>A on the plus strand (G>T on the coding strand, the complement: TTN is on the minus strand). VCF-style: chr2-178532023-C-A. GRCh37 (hg19) VCF-style: chr2-179396750-C-A.
Other names: c.99669G>T, p.Pro33223= (NM_001256850.1); c.77397G>T, p.Pro25799= (NM_003319.4); c.96888G>T, p.Pro32296= (NM_133378.4); c.77772G>T, p.Pro25924= (NM_133432.3); c.77973G>T, p.Pro25991= (NM_133437.4).
Identifiers: ClinVar variation 535697 (VCV000535697.12), dbSNP rs144094650, ClinGen allele CA1985393.
Genomic context (GRCh38, chr2:178,532,023, plus strand): 5'-TGGGCGAGTTCTCTCTGGAGTAGGTGACCTTCTTTCTGTGTCATCTTCGTATTCCTCAGC[C>A]GGTTGTGGACGTGACCGGATCAGCTCAGACACTGGCCTCATTAACTCAATATAAGTTGGA-3'
Protein context (NP_001254479.2, residues 34854-34874): VSELIRSRPQ[Pro34864=]AEEYEDDTER